The following is an entry in ClinVar:

ClinVar aggregate classification (germline): Uncertain significance (1 of 4 stars; one submission).

Conditions:
VCAN-related disorder. Also called: VCAN-related condition.

gnomAD v4.1: 14 of 1,613,824 alleles (0.00087%); highest among the groups gnomAD compares: Admixed American, 0.0017%; no homozygotes.

Submission:

PreventionGenetics, part of Exact Sciences
Classification: Uncertain significance for VCAN-related condition. Last evaluated: 2025-10-07. Review status: criteria provided, single submitter. Criteria: ACMG Guidelines, 2015. Collection method: clinical testing. Allele origin: germline.
Comment: The VCAN c.5191A>G variant is predicted to result in the amino acid substitution p.Thr1731Ala. To our knowledge, this variant has not been reported in the literature. This variant is reported in 0.0028% of alleles in individuals of Latino descent in gnomAD. At this time, the clinical significance of this variant is uncertain due to the absence of conclusive functional and genetic evidence.

NM_004385.5(VCAN):c.5191A>G (p.Thr1731Ala)

Genes: VCAN (versican; plus strand), VCAN-AS1 (VCAN antisense RNA 1; minus strand). Cytogenetic location: 5q14.3.
Variant type: single nucleotide variant.
Coding change: c.5191A>G on transcript NM_004385.5 (MANE Select); coding-DNA position 5191, A replaced by G.
Protein change: p.Thr1731Ala; replaces threonine 1731 with alanine.
Molecular consequence: missense variant. On other transcripts: intron variant (2).
Genome position (GRCh38, 1-based): chr5:83,538,194, A>G. VCF-style: chr5-83538194-A-G. GRCh37 (hg19) VCF-style: chr5-82834013-A-G.
Other names: c.1043-7343A>G (NM_001126336.3); c.2230A>G, p.Thr744Ala (NM_001164097.2); c.4004-7343A>G (NM_001164098.2); short protein forms T744A, T1731A.
Identifiers: ClinVar variation 4979386 (VCV004979386.1).